The following is an entry in ClinVar:

NM_000784.4(CYP27A1):c.1183C>A (p.Arg395Ser)

Gene: CYP27A1 (cytochrome P450 family 27 subfamily A member 1; plus strand). Cytogenetic location: 2q35.
Variant type: single nucleotide variant.
Coding change: c.1183C>A on transcript NM_000784.4 (MANE Select); coding-DNA position 1183, C replaced by A.
Protein change: p.Arg395Ser; replaces arginine 395 with serine.
Molecular consequence: missense variant.
Genome position (GRCh38, 1-based): chr2:218,814,186, C>A. VCF-style: chr2-218814186-C-A. GRCh37 (hg19) VCF-style: chr2-219678909-C-A.
Other names: R362S; c.1183C>A; short protein forms R395S.
Identifiers: ClinVar variation 4261 (VCV000004261.14), dbSNP rs121908096, ClinGen allele CA340217.
Genomic context (GRCh38, chr2:218,814,186, plus strand): 5'-CCCCAGCACAAGGACTTTGCCCACATGCCGTTGCTCAAAGCTGTGCTTAAGGAGACTCTG[C>A]GGTAGGACAGAATGCTGTTCTGGGGGGCACAGGATCTCTTTGTGGGGAGGGAATCAGAGG-3'
Protein context (NP_000775.1, residues 385-405): LLKAVLKETL[Arg395Ser]LYPVVPTNSR

ClinVar aggregate classification (germline): Pathogenic/Likely pathogenic. Review status: criteria provided, multiple submitters, no conflicts (2 of 4 stars). 7 submissions from 7 submitters: Pathogenic (2); Likely pathogenic (2). 3 of the submissions do not count toward it. Last evaluated 2025-11-03.

Conditions:
Cholestanol storage disease (CTX). Also called: CTX: Cerebrotendinous xanthomatosis; CEREBRAL CHOLESTERINOSIS; Cerebrotendinous Xanthomatosis. Identifiers: Orphanet 909, MedGen C0238052, MONDO:0008948, OMIM 213700.

gnomAD v4.1: 14 of 1,614,162 alleles (0.00087%); highest among the groups gnomAD compares: East Asian, 0.0022%; no homozygotes.

Submissions (7):

Labcorp Genetics (formerly Invitae), Labcorp
Classification: Pathogenic for Cholestanol storage disease. Last evaluated: 2025-11-03. Review status: criteria provided, single submitter. Criteria: Invitae Variant Classification Sherloc (09022015). Collection method: clinical testing. Allele origin: germline.
Comment: This sequence change replaces arginine, which is basic and polar, with serine, which is neutral and polar, at codon 395 of the CYP27A1 protein (p.Arg395Ser). This variant is present in population databases (rs121908096, gnomAD 0.002%). This missense change has been observed in individual(s) with clinical features of cerebrotendinous xanthomatosis (PMID: 9790667, 28749476). This variant is also known as p.Arg362Ser. ClinVar contains an entry for this variant (Variation ID: 4261). Invitae Evidence Modeling of protein sequence and biophysical properties (such as structural, functional, and spatial information, amino acid conservation, physicochemical variation, residue mobility, and thermodynamic stability) indicates that this missense variant is expected to disrupt CYP27A1 protein function with a positive predictive value of 95%. Studies have shown that this missense change alters mRNA splicing and is expected to lead to the loss of protein expression (PMID: 9790667). This variant disrupts the p.Arg395 amino acid residue in CYP27A1. Other variant(s) that disrupt this residue have been determined to be pathogenic (PMID: 2019602, 20402754, 26156051). This suggests that this residue is clinically significant, and that variants that disrupt this residue are likely to be disease-causing. For these reasons, this variant has been classified as Pathogenic.

Natera, Inc.
Classification: Likely pathogenic for Cerebrotendinous xanthomatosis. Last evaluated: 2024-12-23. Review status: criteria provided, single submitter. Criteria: Natera Variant Classification Schema (03/2026). Collection method: clinical testing. Allele origin: germline.
Comment: The c.1183C>A variant in CYP27A1 is a missense variant predicted to cause substitution of arginine to serine at amino acid 395. This variant is rare in the general population with a frequency below the threshold expected for the associated phenotype(s). This variant has been observed in one or more individuals affected with the associated recessive disease, as either homozygous or compound heterozygous with a second variant (PMID: 9790667, 28749476). Functional studies show that this variant may disrupt protein function (PMID: 9790667). A different variant at the same position has been determined to be Pathogenic or Likely Pathogenic. Computational prediction algorithms indicate this variant is likely to affect gene or protein function. Given the available evidence, this variant is classified as Likely Pathogenic.

Women's Health and Genetics/Laboratory Corporation of America, LabCorp
Classification: Pathogenic for Cholestanol storage disease. Last evaluated: 2024-01-15. Review status: criteria provided, single submitter. Criteria: LabCorp Variant Classification Summary - May 2015. Collection method: clinical testing. Allele origin: germline.
Comment: Variant summary: CYP27A1 c.1183C>A (p.Arg395Ser) results in a non-conservative amino acid change in the encoded protein sequence. Five of five in-silico tools predict a damaging effect of the variant on protein function. Consensus agreement among computation tools predict no significant impact on normal splicing. However, one publication reports experimental evidence that this variant affects mRNA splicing and is expected to lead to the loss of protein expression (Chen_1998). The variant allele was found at a frequency of 8e-06 in 251236 control chromosomes. c.1183C>A has been reported in the literature in individuals affected with Cerebrotendinous Xanthomatosis and clinical frontotemporal dementia (Chen_1998, Blauwendraat_2018). Additionally, the demonstrated alternative pre-mRNA splicing was shown to lead to decreased sterol 27-hydroxylase activity (Chen_1998). Other variants at the same codon have been widely reported to be pathogenic (p.Arg395Cys, p.Arg395His). ClinVar contains an entry for this variant (Variation ID: 4261). Based on the evidence outlined above, the variant was classified as pathogenic.

Baylor Genetics
Classification: Likely pathogenic for Cholestanol storage disease. Last evaluated: 2023-12-04. Review status: criteria provided, single submitter. Criteria: ACMG Guidelines, 2015. Collection method: clinical testing. Allele origin: unknown.

Counsyl
Classification: Uncertain significance for Cholestanol storage disease. Last evaluated: 2017-09-15. Review status: no assertion criteria provided. Collection method: clinical testing. Allele origin: unknown. Not counted in ClinVar's aggregate classification.

GeneReviews
Classification: Pathogenic for Cerebrotendinous Xanthomatosis. Last evaluated: 2013-08-01. Review status: no assertion criteria provided. Collection method: curation. Allele origin: unknown. Not counted in ClinVar's aggregate classification.
ClinVar note: Converted during submission from pathologic to Pathogenic.

OMIM
Classification: Pathogenic for CEREBROTENDINOUS XANTHOMATOSIS. Last evaluated: 1998-10-27. Review status: no assertion criteria provided. Collection method: literature only. Allele origin: germline. Not counted in ClinVar's aggregate classification.

Literature cited by the submitters: PubMed 9790667 (cited by 5 submitters); PubMed 28749476 (cited by 3 submitters); PubMed 2019602 (cited by Labcorp Genetics (formerly Invitae), Labcorp); PubMed 20402754 (cited by Labcorp Genetics (formerly Invitae), Labcorp); PubMed 26156051 (cited by Labcorp Genetics (formerly Invitae), Labcorp); PubMed 27879219 (cited by Counsyl).